The following is an entry in ClinVar:

NM_024753.5(TTC21B):c.2323-206A>T

Gene: TTC21B (tetratricopeptide repeat domain 21B; minus strand). Cytogenetic location: 2q24.3.
Variant type: single nucleotide variant.
Coding change: c.2323-206A>T on transcript NM_024753.5 (MANE Select); 206 bases into the intron before coding-DNA position 2323, A replaced by T.
Molecular consequence: intron variant.
Genome position (GRCh38, 1-based): chr2:165,911,671, T>A on the plus strand (A>T on the coding strand, the complement: TTC21B is on the minus strand). VCF-style: chr2-165911671-T-A. GRCh37 (hg19) VCF-style: chr2-166768181-T-A.
Identifiers: ClinVar variation 1691595 (VCV001691595.3), dbSNP rs868052575, ClinGen allele CA59796040.

ClinVar aggregate classification (germline): Likely benign (1 of 4 stars; one submission).

Allele frequency attached by ClinVar (database versions not stated): gnomAD 0.01071 and 0.01127; 1000 Genomes Project 30x 0.01655.
gnomAD v4.1: 1,604 of 151,124 alleles (1.1%); highest among the groups gnomAD compares: African/African-American, 3.6%; 32 homozygotes.

Submission:

GeneDx
Classification: Likely benign. Last evaluated: 2021-12-10. Review status: criteria provided, single submitter. Criteria: GeneDx Variant Classification Process June 2021. Collection method: clinical testing. Allele origin: germline. Affected: yes.
Comment: See Variant Classification Assertion Criteria.